The following is an entry in ClinVar:

ClinVar aggregate classification (germline): Uncertain significance (1 of 4 stars; one submission).

Conditions:
Inborn genetic diseases. Identifiers: MedGen C0950123, MeSH D030342.

Submission:

Ambry Genetics
Classification: Uncertain significance for Inborn genetic diseases. Last evaluated: 2024-05-07. Review status: criteria provided, single submitter. Criteria: Ambry Variant Classification Scheme 2023. Collection method: clinical testing. Allele origin: germline.
Comment: The p.V1340A variant (also known as c.4019T>C), located in coding exon 29 of the LRRK2 gene, results from a T to C substitution at nucleotide position 4019. The valine at codon 1340 is replaced by alanine, an amino acid with similar properties. This amino acid position is conserved. In addition, this alteration is predicted to be deleterious by in silico analysis. Based on the available evidence, the clinical significance of this variant remains unclear.

NM_198578.4(LRRK2):c.4019T>C (p.Val1340Ala)

Gene: LRRK2 (leucine rich repeat kinase 2; plus strand). Cytogenetic location: 12q12.
Variant type: single nucleotide variant.
Coding change: c.4019T>C on transcript NM_198578.4 (MANE Select); coding-DNA position 4019, T replaced by C.
Protein change: p.Val1340Ala; replaces valine 1340 with alanine.
Molecular consequence: missense variant.
Genome position (GRCh38, 1-based): chr12:40,308,526, T>C. VCF-style: chr12-40308526-T-C. GRCh37 (hg19) VCF-style: chr12-40702328-T-C.
Other names: short protein forms V1340A.
Identifiers: ClinVar variation 3291996 (VCV003291996.1).